The following is an entry in ClinVar:

NM_001142966.3(GREB1L):c.2167C>T (p.Arg723Trp)

Gene: GREB1L (GREB1 like retinoic acid receptor coactivator; plus strand). Cytogenetic location: 18q11.1.
Variant type: single nucleotide variant.
Coding change: c.2167C>T on transcript NM_001142966.3 (MANE Select); coding-DNA position 2167, C replaced by T.
Protein change: p.Arg723Trp; replaces arginine 723 with tryptophan.
Molecular consequence: missense variant.
Genome position (GRCh38, 1-based): chr18:21,454,548, C>T. VCF-style: chr18-21454548-C-T. GRCh37 (hg19) VCF-style: chr18-19034509-C-T.
Other names: c.2296C>T, p.Arg766Trp (NM_001410867.1); c.1840C>T, p.Arg614Trp (NM_001410868.1); c.2167C>T (NM_001142966.1); short protein forms R723W, R766W, R614W.
Identifiers: ClinVar variation 2035914 (VCV002035914.31), dbSNP rs185607659, ClinGen allele CA8906454.

ClinVar aggregate classification (germline): Conflicting classifications of pathogenicity. Review status: criteria provided, conflicting classifications (1 of 4 stars). 6 submissions from 6 submitters: Uncertain significance (2); Likely benign (3). 1 of the submissions does not count toward it. Last evaluated 2026-03-17.

Conditions:
GREB1L-related disorder. Also called: GREB1L-related condition.
Renal hypodysplasia/aplasia 3 (RHDA3). Identifiers: MedGen C4540497, MONDO:0024520, OMIM 617805.

Allele frequency attached by ClinVar (database versions not stated): 1000 Genomes Project 30x 0.00016; 1000 Genomes Project 0.00020; gnomAD 0.00041; ESP Exome Variant Server 0.00044; TOPMed 0.00048; ExAC 0.00078; gnomAD exomes 0.00079.
gnomAD v4.1: 1,160 of 1,551,124 alleles (0.075%); highest among the groups gnomAD compares: South Asian, 0.12%; 1 homozygote.

Submissions (6):

GeneDx
Classification: Uncertain significance. Last evaluated: 2026-03-17. Review status: criteria provided, single submitter. Criteria: GeneDx Variant Classification Process June 2021. Collection method: clinical testing. Allele origin: germline.
Comment: In silico analysis supports that this missense variant has a deleterious effect on protein structure/function; Has not been previously published as pathogenic or benign to our knowledge

Labcorp Genetics (formerly Invitae), Labcorp
Classification: Likely benign. Last evaluated: 2025-08-04. Review status: criteria provided, single submitter. Criteria: Invitae Variant Classification Sherloc (09022015). Collection method: clinical testing. Allele origin: germline.

CeGaT Center for Human Genetics Tuebingen
Classification: Likely benign. Last evaluated: 2025-01-01. Review status: criteria provided, single submitter. Criteria: CeGaT Center For Human Genetics Tuebingen Variant Classification Criteria Version 2. Collection method: clinical testing. Allele origin: germline. Affected: yes. Observed: 5 variant alleles.
Comment: GREB1L: BS1

Blueprint Genetics
Classification: Likely benign. Last evaluated: 2024-09-18. Review status: criteria provided, single submitter. Criteria: ACMG Guidelines, 2015. Collection method: clinical testing. Allele origin: germline.

Neuberg Centre For Genomic Medicine, NCGM
Classification: Uncertain significance for Renal hypodysplasia/aplasia 3. Review status: criteria provided, single submitter. Criteria: ACMG Guidelines, 2015. Collection method: clinical testing. Allele origin: germline. Inheritance: Autosomal dominant inheritance. Affected: yes.
Comment: The missense variant c.2167C>T (p.Arg723Trp) in GREB1L gene has not been reported previously as a pathogenic variant nor as a benign variant, to our knowledge. This variant has not been reported to the ClinVar database. The p.Arg723Trp variant has been submitted allele frequency 0.053% in genomAD exomes and novel (not in any individuals) in 1000 Genomes. The amino acid Arg at position 723 is changed to a Trp changing protein sequence and it might alter its composition and physico-chemical properties. The amino acid change p.Arg723Trp in GREB1L is predicted as conserved by GERP++ and PhyloP across 100 vertebrates. For these reasons, this variant has been classified as Uncertain Significance (VUS).

PreventionGenetics, part of Exact Sciences
Classification: Likely benign for GREB1L-related condition. Last evaluated: 2022-11-04. Review status: no assertion criteria provided. Collection method: clinical testing. Allele origin: germline. Not counted in ClinVar's aggregate classification.
Comment: This variant is classified as likely benign based on ACMG/AMP sequence variant interpretation guidelines (Richards et al. 2015 PMID: 25741868, with internal and published modifications).